The following is an entry in ClinVar:

NM_000179.3(MSH6):c.1039G>C (p.Glu347Gln)

Gene: MSH6 (mutS homolog 6; plus strand). Cytogenetic location: 2p16.3.
Variant type: single nucleotide variant.
Coding change: c.1039G>C on transcript NM_000179.3 (MANE Select); coding-DNA position 1039, G replaced by C.
Protein change: p.Glu347Gln; replaces glutamic acid 347 with glutamine.
Molecular consequence: missense variant. On other transcripts: non-coding transcript variant (4), intron variant (1).
Genome position (GRCh38, 1-based): chr2:47,799,022, G>C. VCF-style: chr2-47799022-G-C. GRCh37 (hg19) VCF-style: chr2-48026161-G-C.
Other names: c.742G>C, p.Glu248Gln (NM_001406828.1, NM_001406830.1, NM_001406818.1 and 10 more transcripts); c.133G>C, p.Glu45Gln (NM_001406829.1, NM_001406811.1, NM_001406812.1 and 6 more transcripts); c.628-1644G>C (NM_001407362.1); c.1045G>C, p.Glu349Gln (NM_001406813.1); c.1039G>C, p.Glu347Gln (NM_001406817.1, NM_001406796.1, NM_001406798.1 and 4 more transcripts); c.871G>C, p.Glu291Gln (NM_001406826.1); c.649G>C, p.Glu217Gln (NM_001281492.2); c.1135G>C, p.Glu379Gln (NM_001406795.1, NM_001406802.1); and 2 more; short protein forms E349Q, E45Q, E217Q, E291Q, E321Q, E248Q, E172Q, E347Q.
Identifiers: ClinVar variation 5024891 (VCV005024891.1).

ClinVar aggregate classification (germline): Uncertain significance (1 of 4 stars; one submission).

Conditions:
Hereditary cancer-predisposing syndrome. Also called: Neoplastic Syndromes, Hereditary; Tumor predisposition; Hereditary neoplastic syndrome; Hereditary Cancer Syndrome. Identifiers: Orphanet 140162, MedGen C0027672, MeSH D009386, MONDO:0015356.

Submission:

Ambry Genetics
Classification: Uncertain significance for Hereditary cancer-predisposing syndrome. Last evaluated: 2026-07-06. Review status: criteria provided, single submitter. Criteria: Ambry Variant Classification Scheme 2023. Collection method: clinical testing. Allele origin: germline.
Comment: The p.E347Q variant (also known as c.1039G>C), located in coding exon 4 of the MSH6 gene, results from a G to C substitution at nucleotide position 1039. The glutamic acid at codon 347 is replaced by glutamine, an amino acid with highly similar properties. This amino acid position is conserved. In addition, the in silico prediction for this alteration is inconclusive. Based on the available evidence, the clinical significance of this variant remains unclear.